The following is an entry in ClinVar:

ClinVar aggregate classification (germline): Conflicting classifications of pathogenicity. Review status: criteria provided, conflicting classifications (1 of 4 stars). 2 submissions from 2 submitters: Uncertain significance (1); Benign (1). Last evaluated 2023-10-01.

Conditions:
Retinal dystrophy. Also called: Inherited retinal dystrophy. Identifiers: Orphanet 71862, MedGen C0854723, MeSH D058499, MONDO:0019118, HP:0000556.

Allele frequency attached by ClinVar (database versions not stated): gnomAD 0.00001 and 0.00002; gnomAD exomes 0.00001 and 0.00002; TOPMed 0.00001; ExAC 0.00003; 1000 Genomes Project 30x 0.00016; 1000 Genomes Project 0.00020.
gnomAD v4.1: 21 of 1,613,068 alleles (0.0013%); highest among the groups gnomAD compares: East Asian, 0.018%; 1 homozygote.

Submissions (2):

Dept Of Ophthalmology, Nagoya University
Classification: Benign for Retinal dystrophy. Last evaluated: 2023-10-01. Review status: criteria provided, single submitter. Criteria: Submitter's publication. Collection method: research. Allele origin: germline. Affected: yes.

Labcorp Genetics (formerly Invitae), Labcorp
Classification: Uncertain significance. Last evaluated: 2023-09-09. Review status: criteria provided, single submitter. Criteria: Invitae Variant Classification Sherloc (09022015). Collection method: clinical testing. Allele origin: germline.
Comment: This variant is present in population databases (rs564752140, gnomAD 0.006%). This sequence change replaces arginine, which is basic and polar, with glutamine, which is neutral and polar, at codon 130 of the GUCA1B protein (p.Arg130Gln). This variant has not been reported in the literature in individuals affected with GUCA1B-related conditions. ClinVar contains an entry for this variant (Variation ID: 1351460). An algorithm developed to predict the effect of missense changes on protein structure and function (PolyPhen-2) suggests that this variant is likely to be tolerated. In summary, the available evidence is currently insufficient to determine the role of this variant in disease. Therefore, it has been classified as a Variant of Uncertain Significance.

NM_002098.6(GUCA1B):c.389G>A (p.Arg130Gln)

Gene: GUCA1B (guanylate cyclase activator 1B; minus strand). Cytogenetic location: 6p21.1.
Variant type: single nucleotide variant.
Coding change: c.389G>A on transcript NM_002098.6 (MANE Select); coding-DNA position 389, G replaced by A.
Protein change: p.Arg130Gln; replaces arginine 130 with glutamine.
Molecular consequence: missense variant.
Genome position (GRCh38, 1-based): chr6:42,185,766, C>T on the plus strand (G>A on the coding strand, the complement: GUCA1B is on the minus strand). VCF-style: chr6-42185766-C-T. GRCh37 (hg19) VCF-style: chr6-42153504-C-T.
Other names: short protein forms R130Q.
Identifiers: ClinVar variation 1351460 (VCV001351460.7), dbSNP rs564752140, ClinGen allele CA3805565.